The following is an entry in ClinVar:

ClinVar aggregate classification (germline): Conflicting classifications of pathogenicity. Review status: criteria provided, conflicting classifications (1 of 4 stars). 2 submissions from 2 submitters: Uncertain significance (1); Likely benign (1). Last evaluated 2025-09-21.

Submissions (2):

Labcorp Genetics (formerly Invitae), Labcorp
Classification: Uncertain significance. Last evaluated: 2025-09-21. Review status: criteria provided, single submitter. Criteria: Invitae Variant Classification Sherloc (09022015). Collection method: clinical testing. Allele origin: germline.
Comment: This variant, c.1621_1629del, results in the deletion of 3 amino acid(s) of the BCL11B protein (p.Glu541_Glu543del), but otherwise preserves the integrity of the reading frame. The frequency data for this variant in the population databases is considered unreliable, as metrics indicate poor data quality at this position in the gnomAD database. This variant has not been reported in the literature in individuals affected with BCL11B-related conditions. In summary, the available evidence is currently insufficient to determine the role of this variant in disease. Therefore, it has been classified as a Variant of Uncertain Significance.

Blueprint Genetics
Classification: Likely benign. Last evaluated: 2023-06-26. Review status: criteria provided, single submitter. Criteria: ACMG Guidelines, 2015. Collection method: clinical testing. Allele origin: germline.

NM_138576.4(BCL11B):c.1603GAG[6] (p.Glu541_Glu543del)

Gene: BCL11B (BCL11 transcription factor B; minus strand). Cytogenetic location: 14q32.2.
Variant type: Microsatellite.
Coding change: c.1603GAG[6] on transcript NM_138576.4 (MANE Select); six copies in a row of the 3-base unit GAG starting at c.1603; the reference has nine copies in a row; three copies, 9 bases deleted.
Protein change: p.Glu541_Glu543del.
Genome position (GRCh38, 1-based): chr14:99,175,207-99,175,215, CTCCTCCTC deleted on the plus strand (GAGGAGGAG on the coding strand, the reverse complement: BCL11B is on the minus strand); deleting any 9 consecutive bases within chr14:99,175,207-99,175,233 gives the same sequence; the position shown is the placement nearest the transcript's 3' end. VCF-style (leftmost placement, unchanged base first): chr14-99175206-GCTCCTCCTC-G. GRCh37 (hg19) VCF-style: chr14-99641543-GCTCCTCCTC-G.
Other names: c.1600GAG[6], p.Glu540_Glu542del (NM_001282237.2); c.1387GAG[6], p.Glu469_Glu471del (NM_001282238.2); c.1390GAG[6], p.Glu470_Glu472del (NM_022898.3).
Identifiers: ClinVar variation 4799720 (VCV004799720.2).